The following is an entry in ClinVar:

NM_014384.3(ACAD8):c.413del (p.Asn138fs)

Gene: ACAD8 (acyl-CoA dehydrogenase family member 8; plus strand). Cytogenetic location: 11q25.
Variant type: Deletion.
Coding change: c.413del on transcript NM_014384.3 (MANE Select); coding-DNA position 413, one base deleted (A; older notation c.413delA).
Protein change: p.Asn138fs; shifts the reading frame from asparagine 138.
Molecular consequence: frameshift variant.
Genome position (GRCh38, 1-based): chr11:134,258,547, A deleted; the last of 3 consecutive A bases (chr11:134,258,545-134,258,547); deleting any one gives the same sequence. VCF-style (leftmost placement, unchanged base first): chr11-134258544-GA-G. GRCh37 (hg19) VCF-style: chr11-134128438-GA-G.
Other names: c.413del, p.Asn138fs (NM_001441136.1, NM_001441137.1); c.119del, p.Asn40fs (NM_001441138.1); short protein forms N40fs, N138fs.
Identifiers: ClinVar variation 5007818 (VCV005007818.2).

ClinVar aggregate classification (germline): Likely pathogenic (1 of 4 stars; one submission).

Conditions:
Deficiency of isobutyryl-CoA dehydrogenase. Also called: IBD DEFICIENCY; ACAD8 DEFICIENCY; ACYL-CoA DEHYDROGENASE FAMILY, MEMBER 8, DEFICIENCY OF. Identifiers: Orphanet 79159, MedGen C1969809, MONDO:0012648, OMIM 611283.

Submission:

Juno Genomics, Hangzhou Juno Genomics, Inc
Classification: Likely pathogenic for Deficiency of isobutyryl-CoA dehydrogenase. Review status: criteria provided, single submitter. Criteria: ACMG Guidelines, 2015. Collection method: clinical testing. Allele origin: germline.
Comment: Null variant in a gene where loss of function (LOF) is a known mechanism of disease.;Absent from controls (or at extremely low frequency if recessive) in Genome Aggregation Database.